The following is an entry in ClinVar:

ClinVar aggregate classification (germline): Pathogenic (1 of 4 stars; one submission).

Conditions:
Mowat-Wilson syndrome (MOWS). Also called: Classic Mowat-Wilson Syndrome. Identifiers: Orphanet 2152, MedGen C1856113, MONDO:0009341, OMIM 235730.

Submission:

Medical Genetics Unit, Azienda USL-IRCCS di Reggio Emilia
Classification: Pathogenic for Mowat-Wilson syndrome. Last evaluated: 2023-10-20. Review status: criteria provided, single submitter. Criteria: ACMG Guidelines, 2015. Collection method: clinical testing. Allele origin: de novo. Affected: yes. Observed: 1 variant allele.
Comment: Heterozygous variant associated with Mowat-Wilson syndrome in at least 1 individual. ACMG/AMP criteria PVS1, PS2, PM2, PP4

Literature cited by the submitters: PubMed 29300384.

NM_014795.4(ZEB2):c.2682del (p.Leu894fs)

Gene: ZEB2 (zinc finger E-box binding homeobox 2; minus strand). Cytogenetic location: 2q22.3.
Variant type: Deletion.
Coding change: c.2682del on transcript NM_014795.4 (MANE Select); coding-DNA position 2682, one base deleted (A; older notation c.2682delA).
Protein change: p.Leu894fs; shifts the reading frame from leucine 894.
Molecular consequence: frameshift variant.
Genome position (GRCh38, 1-based): chr2:144,398,505, T deleted on the plus strand (A on the coding strand, the reverse complement: ZEB2 is on the minus strand). VCF-style (leftmost placement, unchanged base first): chr2-144398504-AT-A. GRCh37 (hg19) VCF-style: chr2-145156071-AT-A.
Other names: c.2610del, p.Leu870fs (NM_001171653.2); short protein forms L870fs, L894fs.
Identifiers: ClinVar variation 2687500 (VCV002687500.2), dbSNP rs2549105756, ClinGen allele CA2697551037.